The following is an entry in ClinVar:

ClinVar aggregate classification (germline): Uncertain significance (1 of 4 stars; one submission).

gnomAD v4.1: 1 of 1,602,454 alleles (0.000062%); highest among the groups gnomAD compares: South Asian, 0.0011%; no homozygotes.

Submission:

GeneDx
Classification: Uncertain significance. Last evaluated: 2025-08-08. Review status: criteria provided, single submitter. Criteria: GeneDx Variant Classification Process June 2021. Collection method: clinical testing. Allele origin: germline. Affected: yes.
Comment: Not observed at significant frequency in large population cohorts (gnomAD); In silico analysis suggests that this missense variant does not alter protein structure/function; In silico analysis is inconclusive as to whether the variant alters gene splicing. In the absence of RNA/functional studies, the actual effect of this sequence change is unknown.; Has not been previously published as pathogenic or benign to our knowledge

NM_006218.4(PIK3CA):c.1687G>A (p.Glu563Lys)

Gene: PIK3CA (phosphatidylinositol-4,5-bisphosphate 3-kinase catalytic subunit alpha; plus strand). Cytogenetic location: 3q26.32.
Variant type: single nucleotide variant.
Coding change: c.1687G>A on transcript NM_006218.4 (MANE Select); coding-DNA position 1687, G replaced by A.
Protein change: p.Glu563Lys; replaces glutamic acid 563 with lysine.
Molecular consequence: missense variant.
Genome position (GRCh38, 1-based): chr3:179,219,218, G>A. VCF-style: chr3-179219218-G-A. GRCh37 (hg19) VCF-style: chr3-178937006-G-A.
Other names: short protein forms E563K.
Identifiers: ClinVar variation 4756097 (VCV004756097.1).